The following is an entry in ClinVar:

ClinVar aggregate classification (germline): Uncertain significance. Review status: criteria provided, multiple submitters, no conflicts (2 of 4 stars). 2 submissions from 2 submitters: Uncertain significance (2). Last evaluated 2025-05-20.

Conditions:
Autoimmune lymphoproliferative syndrome type 2A (ALPS2A). Also called: CASP10-Related Autoimmune Lymphoproliferative Syndrome; AUTOIMMUNE LYMPHOPROLIFERATIVE SYNDROME, TYPE IIA; Autoimmune lymphoproliferative syndrome type 2. Identifiers: Orphanet 3261, MedGen C1858968, MONDO:0011383, OMIM 603909.

Allele frequency attached by ClinVar (database versions not stated): gnomAD exomes below 0.00001; ExAC 0.00001; gnomAD 0.00001 and 0.00003; TOPMed 0.00002; 1000 Genomes Project 30x 0.00016; 1000 Genomes Project 0.00020.

Submissions (2):

Ambry Genetics
Classification: Uncertain significance. Last evaluated: 2025-05-20. Review status: criteria provided, single submitter. Criteria: Ambry Variant Classification Scheme 2023. Collection method: clinical testing. Allele origin: germline.

Labcorp Genetics (formerly Invitae), Labcorp
Classification: Uncertain significance for Autoimmune lymphoproliferative syndrome type 2A. Last evaluated: 2024-01-15. Review status: criteria provided, single submitter. Criteria: Invitae Variant Classification Sherloc (09022015). Collection method: clinical testing. Allele origin: germline.
Comment: This sequence change replaces leucine, which is neutral and non-polar, with phenylalanine, which is neutral and non-polar, at codon 520 of the CASP10 protein (p.Leu520Phe). This variant is present in population databases (rs571838418, gnomAD 0.008%). This variant has not been reported in the literature in individuals affected with CASP10-related conditions. ClinVar contains an entry for this variant (Variation ID: 1018382). Algorithms developed to predict the effect of missense changes on protein structure and function output the following: SIFT: "Not Available"; PolyPhen-2: "Benign"; Align-GVGD: "Not Available". The phenylalanine amino acid residue is found in multiple mammalian species, which suggests that this missense change does not adversely affect protein function. In summary, the available evidence is currently insufficient to determine the role of this variant in disease. Therefore, it has been classified as a Variant of Uncertain Significance.

NM_032977.4(CASP10):c.1558C>T (p.Leu520Phe)

Gene: CASP10 (caspase 10; plus strand). Cytogenetic location: 2q33.1.
Variant type: single nucleotide variant.
Coding change: c.1558C>T on transcript NM_032977.4 (MANE Select); coding-DNA position 1558, C replaced by T.
Protein change: p.Leu520Phe; replaces leucine 520 with phenylalanine.
Molecular consequence: missense variant. On other transcripts: 3 prime UTR variant (1), intron variant (2).
Genome position (GRCh38, 1-based): chr2:201,217,730, C>T. VCF-style: chr2-201217730-C-T. GRCh37 (hg19) VCF-style: chr2-202082453-C-T.
Other names: c.1558C>T (NM_032977.3); c.1357C>T, p.Leu453Phe (NM_001206524.2); c.1429C>T, p.Leu477Phe (NM_001230.5); c.*644C>T (NM_032976.4); c.1415+8168C>T (NM_032974.5); c.1286+8168C>T (NM_001206542.2); short protein forms L453F, L477F, L520F.
Identifiers: ClinVar variation 1018382 (VCV001018382.12), dbSNP rs571838418, ClinGen allele CA2053292.